The following is an entry in ClinVar:

ClinVar aggregate classification (germline): Uncertain significance (1 of 4 stars; one submission).

Conditions:
Congenital hyperammonemia, type I. Also called: CPS I DEFICIENCY; Carbamoyl-phosphate synthase I deficiency; Carbamoyl phosphate synthetase I deficiency disease; Carbamoyl phosphate synthetase 1 deficiency; Hyperammonemia due to carbamoyl phosphate synthetase 1 deficiency; CPS 1 deficiency. Identifiers: Orphanet 147, MedGen C4082171, MONDO:0009376, OMIM 237300.

gnomAD v4.1: 1 of 1,612,626 alleles (0.000062%); highest among the groups gnomAD compares: Non-Finnish European, 0.000085%; no homozygotes.

Submission:

Labcorp Genetics (formerly Invitae), Labcorp
Classification: Uncertain significance for Congenital hyperammonemia, type I. Last evaluated: 2025-04-23. Review status: criteria provided, single submitter. Criteria: Invitae Variant Classification Sherloc (09022015). Collection method: clinical testing. Allele origin: germline.
Comment: This sequence change replaces alanine, which is neutral and non-polar, with threonine, which is neutral and polar, at codon 1499 of the CPS1 protein (p.Ala1499Thr). This variant is not present in population databases (gnomAD no frequency). This variant has not been reported in the literature in individuals affected with CPS1-related conditions. Invitae Evidence Modeling of protein sequence and biophysical properties (such as structural, functional, and spatial information, amino acid conservation, physicochemical variation, residue mobility, and thermodynamic stability) indicates that this missense variant is not expected to disrupt CPS1 protein function with a negative predictive value of 95%. In summary, the available evidence is currently insufficient to determine the role of this variant in disease. Therefore, it has been classified as a Variant of Uncertain Significance.

NM_001875.5(CPS1):c.4495G>A (p.Ala1499Thr)

Gene: CPS1 (carbamoyl-phosphate synthase 1; plus strand). Cytogenetic location: 2q34.
Variant type: single nucleotide variant.
Coding change: c.4495G>A on transcript NM_001875.5 (MANE Select); coding-DNA position 4495, G replaced by A.
Protein change: p.Ala1499Thr; replaces alanine 1499 with threonine.
Molecular consequence: missense variant. On other transcripts: non-coding transcript variant (2).
Genome position (GRCh38, 1-based): chr2:210,677,977, G>A. VCF-style: chr2-210677977-G-A. GRCh37 (hg19) VCF-style: chr2-211542701-G-A.
Other names: c.4495G>A, p.Ala1499Thr (NM_001122633.3, NM_001369257.1); c.4528G>A, p.Ala1510Thr (NM_001369256.1); short protein forms A1499T, A1510T.
Identifiers: ClinVar variation 4800342 (VCV004800342.1).